The following is an entry in ClinVar:

NM_001242896.3(DEPDC5):c.4013G>A (p.Ser1338Asn)

Gene: DEPDC5 (DEP domain containing 5, GATOR1 subcomplex subunit; plus strand). Cytogenetic location: 22q12.3.
Variant type: single nucleotide variant.
Coding change: c.4013G>A on transcript NM_001242896.3 (MANE Select); coding-DNA position 4013, G replaced by A.
Protein change: p.Ser1338Asn; replaces serine 1338 with asparagine.
Molecular consequence: missense variant. On other transcripts: non-coding transcript variant (5).
Genome position (GRCh38, 1-based): chr22:31,879,732, G>A. VCF-style: chr22-31879732-G-A. GRCh37 (hg19) VCF-style: chr22-32275718-G-A.
Other names: c.3986G>A, p.Ser1329Asn (NM_001136029.4); c.3713G>A, p.Ser1238Asn (NM_001242897.2); c.3947G>A, p.Ser1316Asn (NM_001363852.2, NM_001364320.2); c.3779G>A, p.Ser1260Asn (NM_001363854.2, NM_001364319.2); c.4013G>A, p.Ser1338Asn (NM_001364318.2); c.3929G>A, p.Ser1310Asn (NM_001369901.1, NM_001369902.1); c.3920G>A, p.Ser1307Asn (NM_001369903.1, NM_014662.6); short protein forms S1238N, S1310N, S1260N, S1307N, S1338N, S1316N, S1329N.
Identifiers: ClinVar variation 2316070 (VCV002316070.7), dbSNP rs757645198, ClinGen allele CA323340980.
Genomic context (GRCh38, chr22:31,879,732, plus strand): 5'-GCCGGCCAGCCTCCTATGCAAGTAGGCACAGCTCCTTTAGCCGAAGTTTTGGAGGACGGA[G>A]CCAGGCGGCAGCACTTTTAGGTACATGCTCAACCCAGACAAGGTCTGAGGGTGTGCCAGT-3'
Protein context (NP_001229825.1, residues 1328-1348): SSFSRSFGGR[Ser1338Asn]QAAALLAATV

ClinVar aggregate classification (germline): Uncertain significance. Review status: criteria provided, multiple submitters, no conflicts (2 of 4 stars). 3 submissions from 3 submitters: Uncertain significance (3). Last evaluated 2026-09-11.

Conditions:
Inborn genetic diseases. Identifiers: MedGen C0950123, MeSH D030342.
Familial focal epilepsy with variable foci (FPEVF). Identifiers: Orphanet 98820, MedGen C1858477, MONDO:0020310.

Allele frequency attached by ClinVar (database versions not stated): gnomAD exomes 0.00001.
gnomAD v4.1: 7 of 1,613,960 alleles (0.00043%); highest among the groups gnomAD compares: Non-Finnish European, 0.00059%; no homozygotes.

Submissions (3):

Ambry Genetics
Classification: Uncertain significance for Inborn genetic diseases. Last evaluated: 2026-09-11. Review status: criteria provided, single submitter. Criteria: Ambry Variant Classification Scheme 2023. Collection method: clinical testing. Allele origin: germline.

Labcorp Genetics (formerly Invitae), Labcorp
Classification: Uncertain significance for Familial focal epilepsy with variable foci. Last evaluated: 2024-05-17. Review status: criteria provided, single submitter. Criteria: Invitae Variant Classification Sherloc (09022015). Collection method: clinical testing. Allele origin: germline.
Comment: This sequence change replaces serine, which is neutral and polar, with asparagine, which is neutral and polar, at codon 1338 of the DEPDC5 protein (p.Ser1338Asn). This variant is not present in population databases (gnomAD no frequency). This variant has not been reported in the literature in individuals affected with DEPDC5-related conditions. ClinVar contains an entry for this variant (Variation ID: 2316070). Experimental studies and prediction algorithms are not available or were not evaluated, and the functional significance of this variant is currently unknown. In summary, the available evidence is currently insufficient to determine the role of this variant in disease. Therefore, it has been classified as a Variant of Uncertain Significance.

GeneDx
Classification: Uncertain significance. Last evaluated: 2022-08-30. Review status: criteria provided, single submitter. Criteria: GeneDx Variant Classification Process June 2021. Collection method: clinical testing. Allele origin: germline. Affected: yes.
Comment: Not observed at significant frequency in large population cohorts (gnomAD); In silico analysis supports that this missense variant does not alter protein structure/function; Has not been previously published as pathogenic or benign to our knowledge